The following is an entry in ClinVar:

ClinVar aggregate classification (germline): Conflicting classifications of pathogenicity. Review status: criteria provided, conflicting classifications (1 of 4 stars). 5 submissions from 5 submitters: Uncertain significance (4); Likely benign (1). Last evaluated 2025-09-03.

Conditions:
Sjögren-Larsson syndrome (SLS). Also called: FALDH DEFICIENCY; FATTY ALCOHOL:NAD+ OXIDOREDUCTASE DEFICIENCY; FATTY ALDEHYDE DEHYDROGENASE DEFICIENCY; ICHTHYOSIS, SPASTIC NEUROLOGIC DISORDER, AND OLIGOPHRENIA. Identifiers: Orphanet 816, MedGen C0037231, MONDO:0010031, OMIM 270200.
Inborn genetic diseases. Identifiers: MedGen C0950123, MeSH D030342.

Allele frequency attached by ClinVar (database versions not stated): ExAC 0.00013; gnomAD exomes 0.00016; TOPMed 0.00022; ESP Exome Variant Server 0.00031.
gnomAD v4.1: 406 of 1,614,006 alleles (0.025%); highest among the groups gnomAD compares: Non-Finnish European, 0.033%; no homozygotes.

Submissions (5):

Labcorp Genetics (formerly Invitae), Labcorp
Classification: Likely benign. Last evaluated: 2025-09-03. Review status: criteria provided, single submitter. Criteria: Invitae Variant Classification Sherloc (09022015). Collection method: clinical testing. Allele origin: germline.

Ambry Genetics
Classification: Uncertain significance for Inborn genetic diseases. Last evaluated: 2025-05-04. Review status: criteria provided, single submitter. Criteria: Ambry Variant Classification Scheme 2023. Collection method: clinical testing. Allele origin: germline.

Blueprint Genetics
Classification: Uncertain significance. Last evaluated: 2024-10-25. Review status: criteria provided, single submitter. Criteria: ACMG Guidelines, 2015. Collection method: clinical testing. Allele origin: germline.

Baylor Genetics
Classification: Uncertain significance for Sjögren-Larsson syndrome. Last evaluated: 2018-02-05. Review status: criteria provided, single submitter. Criteria: ACMG Guidelines, 2015. Collection method: clinical testing. Allele origin: maternal. Affected: yes.
Comment: This variant was determined to be of uncertain significance according to ACMG Guidelines, 2015 [PMID:25741868].

Illumina Laboratory Services, Illumina
Classification: Uncertain significance for Sjögren-Larsson syndrome. Last evaluated: 2018-01-13. Review status: criteria provided, single submitter. Criteria: ICSL Variant Classification Criteria 13 December 2019. Collection method: clinical testing. Allele origin: germline.

NM_000382.3(ALDH3A2):c.978G>C (p.Lys326Asn)

Gene: ALDH3A2 (aldehyde dehydrogenase 3 family member A2; plus strand). Cytogenetic location: 17p11.2.
Variant type: single nucleotide variant.
Coding change: c.978G>C on transcript NM_000382.3 (MANE Select); coding-DNA position 978, G replaced by C.
Protein change: p.Lys326Asn; replaces lysine 326 with asparagine.
Molecular consequence: missense variant.
Genome position (GRCh38, 1-based): chr17:19,663,370, G>C. VCF-style: chr17-19663370-G-C. GRCh37 (hg19) VCF-style: chr17-19566683-G-C.
Other names: c.978G>C, p.Lys326Asn (NM_001031806.2, NM_001369136.1, NM_001369137.2 and 3 more transcripts); c.399G>C, p.Lys133Asn (NM_001369148.2); short protein forms K326N, K133N.
Identifiers: ClinVar variation 890169 (VCV000890169.16), dbSNP rs143717984, ClinGen allele CA8442981.
Genomic context (GRCh38, chr17:19,663,370, plus strand): 5'-CATTTTGTTTATTTTCTTTTTAGCCCCAACAGTACTTACCGATGTTGATCCTAAAACCAA[G>C]GTGATGCAAGAAGAAATTTTTGGACCAATTCTTCCAATAGTGCCTGTGAAAAATGTAGAT-3'
Protein context (NP_000373.1, residues 316-336): TVLTDVDPKT[Lys326Asn]VMQEEIFGPI